The following is an entry in ClinVar:

NM_016507.4(CDK12):c.218A>G (p.Tyr73Cys)

Genes: CDK12 (cyclin dependent kinase 12; plus strand), LOC126862553 (CDK7 strongly-dependent group 2 enhancer GRCh37_chr17:37618166-37619365; plus strand). Cytogenetic location: 17q12.
Variant type: single nucleotide variant.
Coding change: c.218A>G on transcript NM_016507.4 (MANE Select); coding-DNA position 218, A replaced by G.
Protein change: p.Tyr73Cys; replaces tyrosine 73 with cysteine.
Molecular consequence: missense variant.
Genome position (GRCh38, 1-based): chr17:39,462,289, A>G. VCF-style: chr17-39462289-A-G. GRCh37 (hg19) VCF-style: chr17-37618542-A-G.
Other names: c.218A>G, p.Tyr73Cys (NM_015083.4); short protein forms Y73C.
Identifiers: ClinVar variation 3999561 (VCV003999561.1).
Genomic context (GRCh38, chr17:39,462,289, plus strand): 5'-TGGGGTTGGTGACCCCCGAAGCAGCATCCCTGGGCACAGTTATCAAACCTTTGGTGGAGT[A>G]TGATGATATCAGCTCTGATTCCGACACCTTCTCCGATGACATGGCCTTCAAACTAGACCG-3'
Protein context (NP_057591.2, residues 63-83): LGTVIKPLVE[Tyr73Cys]DDISSDSDTF

ClinVar aggregate classification (germline): Uncertain significance (1 of 4 stars; one submission).

Submission:

Ambry Genetics
Classification: Uncertain significance. Last evaluated: 2025-06-14. Review status: criteria provided, single submitter. Criteria: Ambry Variant Classification Scheme 2023. Collection method: clinical testing. Allele origin: germline.
Comment: The p.Y73C variant (also known as c.218A>G), located in coding exon 1 of the CDK12 gene, results from an A to G substitution at nucleotide position 218. The tyrosine at codon 73 is replaced by cysteine, an amino acid with highly dissimilar properties. This amino acid position is conserved. In addition, the in silico prediction for this alteration is inconclusive. Based on the available evidence, the clinical significance of this variant remains unclear.